The following is an entry in ClinVar:

ClinVar aggregate classification (germline): Conflicting classifications of pathogenicity. Review status: criteria provided, conflicting classifications (1 of 4 stars). 2 submissions from 2 submitters: Uncertain significance (1); Likely benign (1). Last evaluated 2024-11-08.

Conditions:
Familial thoracic aortic aneurysm and aortic dissection (TAAD). Also called: Thoracic aortic aneurysms and dissections. Identifiers: Orphanet 91387, MedGen C4707243, MONDO:0019625.

Allele frequency attached by ClinVar (database versions not stated): ExAC 0.00001; gnomAD exomes 0.00001.
gnomAD v4.1: 11 of 1,612,442 alleles (0.00068%); highest among the groups gnomAD compares: South Asian, 0.0022%; no homozygotes.

Submissions (2):

Labcorp Genetics (formerly Invitae), Labcorp
Classification: Uncertain significance for Familial thoracic aortic aneurysm and aortic dissection. Last evaluated: 2024-11-08. Review status: criteria provided, single submitter. Criteria: Invitae Variant Classification Sherloc (09022015). Collection method: clinical testing. Allele origin: germline.
Comment: This sequence change falls in intron 7 of the SMAD3 gene. It does not directly change the encoded amino acid sequence of the SMAD3 protein. It affects a nucleotide within the consensus splice site. This variant is present in population databases (rs749052145, gnomAD 0.003%). This variant has not been reported in the literature in individuals affected with SMAD3-related conditions. ClinVar contains an entry for this variant (Variation ID: 925544). Variants that disrupt the consensus splice site are a relatively common cause of aberrant splicing (PMID: 17576681, 9536098). Algorithms developed to predict the effect of sequence changes on RNA splicing suggest that this variant is not likely to affect RNA splicing. In summary, the available evidence is currently insufficient to determine the role of this variant in disease. Therefore, it has been classified as a Variant of Uncertain Significance.

Color Diagnostics, LLC DBA Color Health
Classification: Likely benign for Familial thoracic aortic aneurysm and aortic dissection. Last evaluated: 2019-11-24. Review status: criteria provided, single submitter. Criteria: ACMG Guidelines, 2015. Collection method: clinical testing. Allele origin: germline.

Literature cited by the submitters: PubMed 17576681 (cited by Labcorp Genetics (formerly Invitae), Labcorp); PubMed 9536098 (cited by Labcorp Genetics (formerly Invitae), Labcorp).

NM_005902.4(SMAD3):c.1009+6C>T

Gene: SMAD3 (SMAD family member 3; plus strand). Cytogenetic location: 15q22.33.
Variant type: single nucleotide variant.
Coding change: c.1009+6C>T on transcript NM_005902.4 (MANE Select); 6 bases into the intron after coding-DNA position 1009, C replaced by T.
Molecular consequence: intron variant.
Genome position (GRCh38, 1-based): chr15:67,184,870, C>T. VCF-style: chr15-67184870-C-T. GRCh37 (hg19) VCF-style: chr15-67477208-C-T.
Other names: c.694+6C>T (NM_001145102.2); c.877+6C>T (NM_001145103.2); c.424+6C>T (NM_001145104.2).
Identifiers: ClinVar variation 925544 (VCV000925544.5), dbSNP rs749052145, ClinGen allele CA061507.